The following is an entry in ClinVar:

ClinVar aggregate classification (germline): Likely pathogenic (1 of 4 stars; one submission).

Conditions:
Heterotopia, periventricular, X-linked dominant (PVNH1). Also called: PERIVENTRICULAR NODULAR HETEROTOPIA 1; X-linked periventricular heterotopia; PERIVENTRICULAR NODULAR HETEROTOPIA 4; HETEROTOPIA, PERIVENTRICULAR, 1. Identifiers: Orphanet 2149, Orphanet 82004, MedGen C1848213, MONDO:0010233, OMIM 300049.
Melnick-Needles syndrome (MNS). Also called: Melnick-Needles Syndrome (FLNA-MNS); MELNICK-NEEDLES OSTEODYSPLASTY; OSTEODYSPLASTY OF MELNICK AND NEEDLES. Identifiers: Orphanet 2484, MedGen C0025237, MONDO:0010650, OMIM 309350.
Frontometaphyseal dysplasia (FMD1). Identifiers: Orphanet 1826, MedGen C0265293, MONDO:0015942.
Oto-palato-digital syndrome, type II (OPD2). Also called: Otopalatodigital Syndrome Type 2 (FLNA-OPD2); FACIOPALATOOSSEOUS SYNDROME; OPD II SYNDROME; Otopalatodigital Syndrome, Type II. Identifiers: Orphanet 669, Orphanet 90652, MedGen C1844696, MONDO:0010571, OMIM 304120.

Submission:

Labcorp Genetics (formerly Invitae), Labcorp
Classification: Likely pathogenic for Oto-palato-digital syndrome, type II; Heterotopia, periventricular, X-linked dominant; Frontometaphyseal dysplasia; Melnick-Needles syndrome. Last evaluated: 2023-12-21. Review status: criteria provided, single submitter. Criteria: Invitae Variant Classification Sherloc (09022015). Collection method: clinical testing. Allele origin: germline.
Comment: This sequence change affects a donor splice site in intron 22 of the FLNA gene. It is expected to disrupt RNA splicing. Variants that disrupt the donor or acceptor splice site typically lead to a loss of protein function (PMID: 16199547), and loss-of-function variants in FLNA are known to be pathogenic (PMID: 16684786, 20730588, 26471271). This variant is not present in population databases (gnomAD no frequency). This variant has not been reported in the literature in individuals affected with FLNA-related conditions. Algorithms developed to predict the effect of sequence changes on RNA splicing suggest that this variant may disrupt the consensus splice site. In summary, the currently available evidence indicates that the variant is pathogenic, but additional data are needed to prove that conclusively. Therefore, this variant has been classified as Likely Pathogenic.

Literature cited by the submitters: PubMed 16199547; PubMed 16684786; PubMed 20730588; PubMed 26471271.

NM_001110556.2(FLNA):c.3805+2T>C

Gene: FLNA (filamin A; minus strand). Cytogenetic location: Xq28.
Variant type: single nucleotide variant.
Coding change: c.3805+2T>C on transcript NM_001110556.2 (MANE Select); the canonical splice donor site of the intron after coding-DNA position 3805, T replaced by C.
Molecular consequence: splice donor variant.
Genome position (GRCh38, 1-based): chrX:154,359,988, A>G on the plus strand (T>C on the coding strand, the complement: FLNA is on the minus strand). VCF-style: chrX-154359988-A-G. GRCh37 (hg19) VCF-style: chrX-153588356-A-G.
Other names: c.3805+2T>C (NM_001456.4).
Identifiers: ClinVar variation 2952289 (VCV002952289.3), dbSNP rs2522740256, ClinGen allele CA415222464.